The following is an entry in ClinVar:

NM_021926.4(ALX4):c.344AGC[4] (p.Gln115_Pro116insGlnGlnGln)

Gene: ALX4 (ALX homeobox 4; minus strand). Cytogenetic location: 11p11.2.
Variant type: Microsatellite.
Coding change: c.344AGC[4] on transcript NM_021926.4 (MANE Select); four copies in a row of the 3-base unit AGC starting at c.344.
Protein change: p.Gln115_Pro116insGlnGlnGln.
Genome position: GRCh38 VCF-style: chr11-44309716-G-GGCTGCTGCT. GRCh37 (hg19) VCF-style: chr11-44331266-G-GGCTGCTGCT.
Other names: c.346_347insAGCAGCAGC (NM_021926.4).
Identifiers: ClinVar variation 3768882 (VCV003768882.1).

ClinVar aggregate classification (germline): Uncertain significance (1 of 4 stars; one submission).

Submission:

Women's Health and Genetics/Laboratory Corporation of America, LabCorp
Classification: Uncertain significance. Last evaluated: 2025-02-21. Review status: criteria provided, single submitter. Criteria: LabCorp Variant Classification Summary - May 2015. Collection method: clinical testing. Allele origin: germline.
Comment: Variant summary: ALX4 c.346_347insAGCAGCAGC (p.Gln115_Pro116insGlnGlnGln) results in an in-frame insertion that is predicted to insert 3 amino acids into the encoded protein. The variant was absent in 175052 control chromosomes (gnomAD). However, this variant is indicated to be located in a low complexity region, where multiple other inframe variants (del/ins/delins) variants are found. The available data on variant occurrences in the general population are insufficient to allow any conclusion about variant significance. To our knowledge, no occurrence of c.346_347insAGCAGCAGC in individuals affected with Parietal Foramina 2 and no experimental evidence demonstrating its impact on protein function have been reported. No submitters have cited clinical-significance assessments for this variant to ClinVar. Based on the evidence outlined above, the variant was classified as uncertain significance.